The following is an entry in ClinVar:

ClinVar aggregate classification (germline): Pathogenic (1 of 4 stars; one submission).

Conditions:
Baller-Gerold syndrome (BGS). Also called: CRANIOSYNOSTOSIS WITH RADIAL DEFECTS. Identifiers: Orphanet 1225, MedGen C0265308, MONDO:0009039, OMIM 218600.

Allele frequency attached by ClinVar (database versions not stated): gnomAD exomes below 0.00001.

Submission:

Labcorp Genetics (formerly Invitae), Labcorp
Classification: Pathogenic for Baller-Gerold syndrome. Last evaluated: 2022-08-17. Review status: criteria provided, single submitter. Criteria: Invitae Variant Classification Sherloc (09022015). Collection method: clinical testing. Allele origin: germline.
Comment: This sequence change creates a premature translational stop signal (p.Lys49Serfs*89) in the RECQL4 gene. It is expected to result in an absent or disrupted protein product. Loss-of-function variants in RECQL4 are known to be pathogenic (PMID: 12734318, 12952869). For these reasons, this variant has been classified as Pathogenic. This variant has not been reported in the literature in individuals affected with RECQL4-related conditions. This variant is not present in population databases (gnomAD no frequency).

Literature cited by the submitters: PubMed 12734318; PubMed 12952869.

NM_004260.4(RECQL4):c.141_144dup (p.Lys49fs)

Genes: RECQL4 (RecQ like helicase 4; minus strand), LOC130001411 (ATAC-STARR-seq lymphoblastoid silent region 19699; plus strand). Cytogenetic location: 8q24.3.
Variant type: Duplication.
Coding change: c.141_144dup on transcript NM_004260.4 (MANE Select); coding-DNA positions 141 to 144, 4 bases duplicated (TCTG; older notation c.141_144dupTCTG).
Protein change: p.Lys49fs; shifts the reading frame from lysine 49.
Molecular consequence: frameshift variant.
Genome position (GRCh38, 1-based): chr8:144,517,483-144,517,486, CAGA duplicated on the plus strand (TCTG on the coding strand, the reverse complement: RECQL4 is on the minus strand). VCF-style (leftmost placement, unchanged base first): chr8-144517482-T-TCAGA. GRCh37 (hg19) VCF-style: chr8-145742866-T-TCAGA.
Other names: c.141_144dup, p.Lys49Serfs (NM_001413017.1, NM_001413018.1, NM_001413019.1 and 5 more transcripts); c.-993_-990dup (NM_001413041.1, NM_001413030.1, NM_001413031.1 and 1 more transcripts); c.-931_-928dup (NM_001413042.1, NM_001413022.1, NM_001413023.1 and 2 more transcripts); c.-1200_-1197dup (NM_001413043.1); c.-656_-653dup (NM_001413028.1); c.-890_-887dup (NM_001413032.1); c.-580_-577dup (NM_001413021.1); c.-828_-825dup (NM_001413024.1, NM_001413035.1); and 1 more; short protein forms K49fs.
Identifiers: ClinVar variation 2133540 (VCV002133540.4), dbSNP rs2538123823, ClinGen allele CA2580078813.